The following is an entry in ClinVar:

NM_001382567.1(STIM1):c.1948C>A (p.Pro650Thr)

Genes: STIM1 (stromal interaction molecule 1; plus strand), LOC124418421 (Sharpr-MPRA regulatory region 9588; plus strand). Cytogenetic location: 11p15.4.
Variant type: single nucleotide variant.
Coding change: c.1948C>A on transcript NM_001382567.1 (MANE Select); coding-DNA position 1948, C replaced by A.
Protein change: p.Pro650Thr; replaces proline 650 with threonine.
Molecular consequence: missense variant. On other transcripts: 3 prime UTR variant (4), non-coding transcript variant (3).
Genome position (GRCh38, 1-based): chr11:4,091,595, C>A. VCF-style: chr11-4091595-C-A. GRCh37 (hg19) VCF-style: chr11-4112825-C-A.
Other names: c.2173C>A, p.Pro725Thr (NM_001277961.3); c.*269C>A (NM_001277962.2, NM_001382578.1, NM_001382579.1 and 1 more transcripts); c.1951C>A, p.Pro651Thr (NM_001382566.1); c.1876C>A, p.Pro626Thr (NM_001382568.1); c.1720C>A, p.Pro574Thr (NM_001382569.1); c.1627C>A, p.Pro543Thr (NM_001382570.1); c.1375C>A, p.Pro459Thr (NM_001382571.1); c.1633C>A, p.Pro545Thr (NM_001382575.1, NM_001382576.1, NM_001382577.1); and 2 more; short protein forms P456T, P459T, P626T, P543T, P574T, P619T, P650T, P545T.
Identifiers: ClinVar variation 4794118 (VCV004794118.1).

ClinVar aggregate classification (germline): Uncertain significance (1 of 4 stars; one submission).

Conditions:
Myopathy with tubular aggregates (TAM). Also called: Tubular Aggregate Myopathy. Identifiers: Orphanet 2593, MedGen C0410207, MONDO:0008051.
Stormorken syndrome (STRMK). Also called: THROMBOCYTOPATHY, ASPLENIA, AND MIOSIS. Identifiers: Orphanet 3204, MedGen C1861451, MONDO:0008497, OMIM 185070.
Combined immunodeficiency due to STIM1 deficiency. Also called: STIM1 DEFICIENCY; IMMUNODEFICIENCY 10. Identifiers: Orphanet 169090, Orphanet 317430, MedGen C2748557, MONDO:0013008, OMIM 612783.

gnomAD v4.1: 3 of 1,614,094 alleles (0.00019%); highest among the groups gnomAD compares: Non-Finnish European, 0.00025%; no homozygotes.

Submission:

Labcorp Genetics (formerly Invitae), Labcorp
Classification: Uncertain significance for Myopathy with tubular aggregates; Combined immunodeficiency due to STIM1 deficiency; Stormorken syndrome. Last evaluated: 2025-06-27. Review status: criteria provided, single submitter. Criteria: Invitae Variant Classification Sherloc (09022015). Collection method: clinical testing. Allele origin: germline.
Comment: This sequence change replaces proline, which is neutral and non-polar, with threonine, which is neutral and polar, at codon 619 of the STIM1 protein (p.Pro619Thr). This variant is not present in population databases (gnomAD no frequency). This variant has not been reported in the literature in individuals affected with STIM1-related conditions. Invitae Evidence Modeling of protein sequence and biophysical properties (such as structural, functional, and spatial information, amino acid conservation, physicochemical variation, residue mobility, and thermodynamic stability) has been performed for this missense variant. However, the output from this modeling did not meet the statistical confidence thresholds required to predict the impact of this variant on STIM1 protein function. In summary, the available evidence is currently insufficient to determine the role of this variant in disease. Therefore, it has been classified as a Variant of Uncertain Significance.